The following is an entry in ClinVar:

NM_001077350.3(NPRL3):c.1467C>G (p.Ser489Arg)

Genes: HBA-LCR (alpha-globin locus control region; plus strand), NPRL3 (NPR3 like, GATOR1 complex subunit; minus strand). Cytogenetic location: 16p13.3.
Variant type: single nucleotide variant.
Coding change: c.1467C>G on transcript NM_001077350.3 (MANE Select); coding-DNA position 1467, C replaced by G.
Protein change: p.Ser489Arg; replaces serine 489 with arginine.
Molecular consequence: missense variant.
Genome position (GRCh38, 1-based): chr16:88,775, G>C on the plus strand (C>G on the coding strand, the complement: NPRL3 is on the minus strand). VCF-style: chr16-88775-G-C. GRCh37 (hg19) VCF-style: chr16-138773-G-C.
Other names: c.930C>G, p.Ser310Arg (NM_001039476.3); c.1233C>G, p.Ser411Arg (NM_001243247.2); c.1392C>G, p.Ser464Arg (NM_001243248.2, NM_001243249.2); short protein forms S310R, S411R, S464R, S489R.
Identifiers: ClinVar variation 3720248 (VCV003720248.2).

ClinVar aggregate classification (germline): Uncertain significance (1 of 4 stars; one submission).

Conditions:
Epilepsy, familial focal, with variable foci 3 (FFEVF3). Identifiers: MedGen C4310708, MONDO:0014925, OMIM 617118.

Submission:

Labcorp Genetics (formerly Invitae), Labcorp
Classification: Uncertain significance for Epilepsy, familial focal, with variable foci 3. Last evaluated: 2022-08-17. Review status: criteria provided, single submitter. Criteria: Invitae Variant Classification Sherloc (09022015). Collection method: clinical testing. Allele origin: germline.
Comment: In summary, the available evidence is currently insufficient to determine the role of this variant in disease. Therefore, it has been classified as a Variant of Uncertain Significance. Experimental studies and prediction algorithms are not available or were not evaluated, and the functional significance of this variant is currently unknown. This variant has not been reported in the literature in individuals affected with NPRL3-related conditions. This variant is present in population databases (rs57321480, gnomAD 0.01%). This sequence change replaces leucine, which is neutral and non-polar, with valine, which is neutral and non-polar, at codon 490 of the NPRL3 protein (p.Leu490Val).